The following is an entry in ClinVar:

NM_024548.4(CEP97):c.1451G>T (p.Cys484Phe)

Gene: CEP97 (centrosomal protein 97; plus strand). Cytogenetic location: 3q12.3.
Variant type: single nucleotide variant.
Coding change: c.1451G>T on transcript NM_024548.4 (MANE Select); coding-DNA position 1451, G replaced by T.
Protein change: p.Cys484Phe; replaces cysteine 484 with phenylalanine.
Molecular consequence: missense variant.
Genome position (GRCh38, 1-based): chr3:101,758,057, G>T. VCF-style: chr3-101758057-G-T. GRCh37 (hg19) VCF-style: chr3-101476901-G-T.
Other names: c.1451G>T (NM_024548.2); c.1274G>T, p.Cys425Phe (NM_001303401.2); c.1349G>T, p.Cys450Phe (NM_001410784.1); c.1172G>T, p.Cys391Phe (NM_001410785.1); short protein forms C391F, C425F, C450F, C484F.
Identifiers: ClinVar variation 2182729 (VCV002182729.5), dbSNP rs374373338, ClinGen allele CA2522129.

ClinVar aggregate classification (germline): Uncertain significance. Review status: criteria provided, multiple submitters, no conflicts (2 of 4 stars). 2 submissions from 2 submitters: Uncertain significance (2). Last evaluated 2025-10-01.

Allele frequency attached by ClinVar (database versions not stated): TOPMed 0.00005; ESP Exome Variant Server 0.00008; gnomAD 0.00009; ExAC 0.00011; 1000 Genomes Project 30x 0.00016; 1000 Genomes Project 0.00020.
gnomAD v4.1: 135 of 1,614,218 alleles (0.0084%); highest among the groups gnomAD compares: Middle Eastern, 0.099%; 1 homozygote.

Submissions (2):

Labcorp Genetics (formerly Invitae), Labcorp
Classification: Uncertain significance. Last evaluated: 2025-10-01. Review status: criteria provided, single submitter. Criteria: Invitae Variant Classification Sherloc (09022015). Collection method: clinical testing. Allele origin: germline.
Comment: This sequence change replaces cysteine, which is neutral and slightly polar, with phenylalanine, which is neutral and non-polar, at codon 484 of the CEP97 protein (p.Cys484Phe). This variant is present in population databases (rs374373338, gnomAD 0.04%). This variant has not been reported in the literature in individuals affected with CEP97-related conditions. ClinVar contains an entry for this variant (Variation ID: 2182729). Invitae Evidence Modeling of protein sequence and biophysical properties (such as structural, functional, and spatial information, amino acid conservation, physicochemical variation, residue mobility, and thermodynamic stability) indicates that this missense variant is not expected to disrupt CEP97 protein function with a negative predictive value of 80%. In summary, the available evidence is currently insufficient to determine the role of this variant in disease. Therefore, it has been classified as a Variant of Uncertain Significance.

Ambry Genetics
Classification: Uncertain significance. Last evaluated: 2021-07-09. Review status: criteria provided, single submitter. Criteria: Ambry Variant Classification Scheme 2023. Collection method: clinical testing. Allele origin: germline.